The following is an entry in ClinVar:

NM_001458.5(FLNC):c.5321C>G (p.Pro1774Arg)

Genes: FLNC-AS1 (FLNC antisense RNA 1; minus strand), FLNC (filamin C; plus strand). Cytogenetic location: 7q32.1.
Variant type: single nucleotide variant.
Coding change: c.5321C>G on transcript NM_001458.5 (MANE Select); coding-DNA position 5321, C replaced by G.
Protein change: p.Pro1774Arg; replaces proline 1774 with arginine.
Molecular consequence: missense variant.
Genome position (GRCh38, 1-based): chr7:128,850,406, C>G. VCF-style: chr7-128850406-C-G. GRCh37 (hg19) VCF-style: chr7-128490460-C-G.
Other names: c.5222C>G, p.Pro1741Arg (NM_001127487.2); short protein forms P1741R, P1774R.
Identifiers: ClinVar variation 1447356 (VCV001447356.8), dbSNP rs1273796039, ClinGen allele CA369204993.
Genomic context (GRCh38, chr7:128,850,406, plus strand): 5'-TTCCCCAGTCACTGACTGTTCCCTCTCACCTGCTGCAGGCCACAGAGGAGCCAGTGGTGC[C>G]TGTGGAGCCAATGGAGTCCATGCTGAGGCCCTTCAACCTGGTCATCCCCTTCGCGGTGCA-3'
Protein context (NP_001449.3, residues 1764-1784): THWATEEPVV[Pro1774Arg]VEPMESMLRP

ClinVar aggregate classification (germline): Uncertain significance (1 of 4 stars; one submission).

Conditions:
Hypertrophic cardiomyopathy 26. Also called: Cardiomyopathy, familial hypertrophic, 26. Identifiers: Orphanet 75249, MedGen C4310749, MONDO:0014883, OMIM 617047.
Myofibrillar myopathy 5. Also called: Filaminopathy (type); FILAMINOPATHY, AUTOSOMAL DOMINANT. Identifiers: Orphanet 171445, MedGen C1836050, MONDO:0012289, OMIM 609524.
Distal myopathy with posterior leg and anterior hand involvement. Also called: WILLIAMS DISTAL MYOPATHY. Identifiers: Orphanet 63273, MedGen C3279722, MONDO:0013550, OMIM 614065.

Allele frequency attached by ClinVar (database versions not stated): TOPMed below 0.00001.

Submission:

Labcorp Genetics (formerly Invitae), Labcorp
Classification: Uncertain significance for Distal myopathy with posterior leg and anterior hand involvement; Myofibrillar myopathy 5; Hypertrophic cardiomyopathy 26. Last evaluated: 2024-05-22. Review status: criteria provided, single submitter. Criteria: Invitae Variant Classification Sherloc (09022015). Collection method: clinical testing. Allele origin: germline.
Comment: This sequence change replaces proline, which is neutral and non-polar, with arginine, which is basic and polar, at codon 1774 of the FLNC protein (p.Pro1774Arg). This variant is not present in population databases (gnomAD no frequency). This variant has not been reported in the literature in individuals affected with FLNC-related conditions. ClinVar contains an entry for this variant (Variation ID: 1447356). Advanced modeling of protein sequence and biophysical properties (such as structural, functional, and spatial information, amino acid conservation, physicochemical variation, residue mobility, and thermodynamic stability) has been performed at Invitae for this missense variant, however the output from this modeling did not meet the statistical confidence thresholds required to predict the impact of this variant on FLNC protein function. In summary, the available evidence is currently insufficient to determine the role of this variant in disease. Therefore, it has been classified as a Variant of Uncertain Significance.